The following is an entry in ClinVar:

NM_002485.5(NBN):c.320+200C>A

Gene: NBN (nibrin; minus strand). Cytogenetic location: 8q21.3.
Variant type: single nucleotide variant.
Coding change: c.320+200C>A on transcript NM_002485.5 (MANE Select); 200 bases into the intron after coding-DNA position 320, C replaced by A.
Molecular consequence: intron variant.
Genome position (GRCh38, 1-based): chr8:89,981,175, G>T on the plus strand (C>A on the coding strand, the complement: NBN is on the minus strand). VCF-style: chr8-89981175-G-T. GRCh37 (hg19) VCF-style: chr8-90993403-G-T.
Other names: c.74+200C>A (NM_001024688.3).
Identifiers: ClinVar variation 679717 (VCV000679717.1), dbSNP rs55978729, ClinGen allele CA181280502.

ClinVar aggregate classification (germline): Benign (1 of 4 stars; one submission).

Allele frequency attached by ClinVar (database versions not stated): 1000 Genomes Project 0.02236; gnomAD 0.02277 and 0.02447; 1000 Genomes Project 30x 0.02467; TOPMed 0.02622.
gnomAD v4.1: 3,434 of 152,178 alleles (2.3%); highest among the groups gnomAD compares: African/African-American, 7.7%; 125 homozygotes.

Submission:

GeneDx
Classification: Benign. Last evaluated: 2018-06-18. Review status: criteria provided, single submitter. Criteria: GeneDx Variant Classification (06012015). Collection method: clinical testing. Allele origin: germline. Affected: yes.
Comment: This variant is considered likely benign or benign based on one or more of the following criteria: it is a conservative change, it occurs at a poorly conserved position in the protein, it is predicted to be benign by multiple in silico algorithms, and/or has population frequency not consistent with disease.